The following is an entry in ClinVar:

NM_032119.4(ADGRV1):c.13958C>T (p.Thr4653Ile)

Gene: ADGRV1 (adhesion G protein-coupled receptor V1; plus strand). Cytogenetic location: 5q14.3.
Variant type: single nucleotide variant.
Coding change: c.13958C>T on transcript NM_032119.4 (MANE Select); coding-DNA position 13958, C replaced by T.
Protein change: p.Thr4653Ile; replaces threonine 4653 with isoleucine.
Molecular consequence: missense variant. On other transcripts: non-coding transcript variant (1).
Genome position (GRCh38, 1-based): chr5:90,789,766, C>T. VCF-style: chr5-90789766-C-T. GRCh37 (hg19) VCF-style: chr5-90085583-C-T.
Other names: short protein forms T4653I.
Identifiers: ClinVar variation 2043426 (VCV002043426.4), dbSNP rs2531994973, ClinGen allele CA360398829.

ClinVar aggregate classification (germline): Uncertain significance (1 of 4 stars; one submission).

Allele frequency attached by ClinVar (database versions not stated): gnomAD exomes below 0.00001.
gnomAD v4.1: 2 of 1,556,708 alleles (0.00013%); highest among the groups gnomAD compares: Non-Finnish European, 0.000087%; no homozygotes.

Submission:

Labcorp Genetics (formerly Invitae), Labcorp
Classification: Uncertain significance. Last evaluated: 2022-07-12. Review status: criteria provided, single submitter. Criteria: Invitae Variant Classification Sherloc (09022015). Collection method: clinical testing. Allele origin: germline.
Comment: In summary, the available evidence is currently insufficient to determine the role of this variant in disease. Therefore, it has been classified as a Variant of Uncertain Significance. Algorithms developed to predict the effect of missense changes on protein structure and function are either unavailable or do not agree on the potential impact of this missense change (SIFT: "Tolerated"; PolyPhen-2: "Probably Damaging"; Align-GVGD: "Class C0"). This variant has not been reported in the literature in individuals affected with ADGRV1-related conditions. This variant is not present in population databases (gnomAD no frequency). This sequence change replaces threonine, which is neutral and polar, with isoleucine, which is neutral and non-polar, at codon 4653 of the ADGRV1 protein (p.Thr4653Ile).